The following is an entry in ClinVar:

ClinVar aggregate classification (germline): Uncertain significance. Review status: criteria provided, multiple submitters, no conflicts (2 of 4 stars). 2 submissions from 2 submitters: Uncertain significance (2). Last evaluated 2023-11-19.

Conditions:
Colorectal cancer, susceptibility to, 1. Also called: COLORECTAL ADENOMA AND CANCER, SUSCEPTIBILITY TO; COLORECTAL CANCER, SUSCEPTIBILITY TO, ON CHROMOSOME 9. Identifiers: MedGen C1837315, MONDO:0012132, OMIM 608812.

Allele frequency attached by ClinVar (database versions not stated): gnomAD exomes below 0.00001.
gnomAD v4.1: 3 of 1,154,036 alleles (0.00026%); highest among the groups gnomAD compares: Non-Finnish European, 0.00032%; no homozygotes.

Submissions (2):

Ambry Genetics
Classification: Uncertain significance. Last evaluated: 2023-11-19. Review status: criteria provided, single submitter. Criteria: Ambry Variant Classification Scheme 2023. Collection method: clinical testing. Allele origin: germline.
Comment: The p.L27P variant (also known as c.80T>C), located in coding exon 1 of the GALNT12 gene, results from a T to C substitution at nucleotide position 80. The leucine at codon 27 is replaced by proline, an amino acid with similar properties. This amino acid position is conserved. In addition, this alteration is predicted to be tolerated by in silico analysis. Since supporting evidence is limited at this time, the clinical significance of this alteration remains unclear.

Department of Pathology and Laboratory Medicine, Sinai Health System
Classification: Uncertain significance for Colorectal cancer, susceptibility to, 1. Last evaluated: 2021-11-11. Review status: criteria provided, single submitter. Criteria: ACMG Guidelines, 2015. Collection method: clinical testing. Allele origin: germline.

NM_024642.5(GALNT12):c.80T>C (p.Leu27Pro)

Genes: GALNT12 (polypeptide N-acetylgalactosaminyltransferase 12; plus strand), LOC130002222 (ATAC-STARR-seq lymphoblastoid silent region 20123; plus strand). Cytogenetic location: 9q22.33.
Variant type: single nucleotide variant.
Coding change: c.80T>C on transcript NM_024642.5 (MANE Select); coding-DNA position 80, T replaced by C.
Protein change: p.Leu27Pro; replaces leucine 27 with proline.
Molecular consequence: missense variant.
Genome position (GRCh38, 1-based): chr9:98,807,778, T>C. VCF-style: chr9-98807778-T-C. GRCh37 (hg19) VCF-style: chr9-101570060-T-C.
Other names: short protein forms L27P.
Identifiers: ClinVar variation 3227963 (VCV003227963.2), dbSNP rs2490454942, ClinGen allele CA374222208.